The following is an entry in ClinVar:

NM_175914.5(HNF4A):c.587C>A (p.Ala196Asp)

Gene: HNF4A (hepatocyte nuclear factor 4 alpha; plus strand). Cytogenetic location: 20q13.12.
Variant type: single nucleotide variant.
Coding change: c.587C>A on transcript NM_175914.5 (MANE Select); coding-DNA position 587, C replaced by A.
Protein change: p.Ala196Asp; replaces alanine 196 with aspartic acid.
Molecular consequence: missense variant.
Genome position (GRCh38, 1-based): chr20:44,418,429, C>A. VCF-style: chr20-44418429-C-A. GRCh37 (hg19) VCF-style: chr20-43047069-C-A.
Other names: c.653C>A, p.Ala218Asp (NM_000457.6, NM_178849.3, NM_178850.3); c.587C>A, p.Ala196Asp (NM_001030003.3, NM_001030004.3); c.632C>A, p.Ala211Asp (NM_001258355.2); c.578C>A, p.Ala193Asp (NM_001287182.2, NM_001287183.2, NM_001287184.2); short protein forms A193D, A196D, A211D, A218D.
Identifiers: ClinVar variation 1172869 (VCV001172869.10), dbSNP rs1032164393, ClinGen allele CA315410734.

ClinVar aggregate classification (germline): Uncertain significance. Review status: criteria provided, multiple submitters, no conflicts (2 of 4 stars). 4 submissions from 4 submitters: Uncertain significance (4). Last evaluated 2024-07-09.

Conditions:
Type 2 diabetes mellitus. Also called: Type II diabetes mellitus. Identifiers: MedGen C0011860, MeSH D003924, MONDO:0005148, OMIM 125853, HP:0005978.
Fanconi renotubular syndrome 4 with maturity-onset diabetes of the young (FRTS4). Also called: FRTS4 WITH MODY. Identifiers: Orphanet 93111, MedGen C4014962, MONDO:0014458, OMIM 616026.
Maturity-onset diabetes of the young type 1. Also called: MILD JUVENILE DIABETES MELLITUS; MODY, type I; MODY type 1; Diabetes mellitus MODY type 1; MODY HNF4A related; HNF4A-Related Maturity-Onset Diabetes of the Young Type 1. Identifiers: Orphanet 552, MedGen C1852093, MONDO:0007452, OMIM 125850. Disease mechanism: loss of function.

Allele frequency attached by ClinVar (database versions not stated): TOPMed 0.00004; gnomAD 0.00001.
gnomAD v4.1: 3 of 1,613,550 alleles (0.00019%); highest among the groups gnomAD compares: Admixed American, 0.0033%; no homozygotes.

Submissions (4):

Women's Health and Genetics/Laboratory Corporation of America, LabCorp
Classification: Uncertain significance. Last evaluated: 2024-07-09. Review status: criteria provided, single submitter. Criteria: LabCorp Variant Classification Summary - May 2015. Collection method: clinical testing. Allele origin: germline.
Comment: Variant summary: HNF4A c.587C>A (p.Ala196Asp) results in a non-conservative amino acid change located in the Nuclear hormone receptor, ligand-binding domain (IPR000536) of the encoded protein sequence. Five of five in-silico tools predict a damaging effect of the variant on protein function. The variant was absent in 251184 control chromosomes. The available data on variant occurrences in the general population are insufficient to allow any conclusion about variant significance. To our knowledge, no occurrence of c.587C>A in individuals affected with Maturity Onset Diabetes Of The Young 1/Neonatal Diabetes Mellitus and no experimental evidence demonstrating its impact on protein function have been reported. ClinVar contains an entry for this variant (Variation ID: 1172869). Based on the evidence outlined above, the variant was classified as uncertain significance.

GeneDx
Classification: Uncertain significance. Last evaluated: 2024-06-12. Review status: criteria provided, single submitter. Criteria: GeneDx Variant Classification Process June 2021. Collection method: clinical testing. Allele origin: germline. Affected: yes.
Comment: Not observed at significant frequency in large population cohorts (gnomAD); In silico analysis supports that this missense variant has a deleterious effect on protein structure/function; Has not been previously published as pathogenic or benign to our knowledge; Located in the critical Ligand binding domain (PMID: 23348805); This variant is associated with the following publications: (PMID: 23348805)

Labcorp Genetics (formerly Invitae), Labcorp
Classification: Uncertain significance. Last evaluated: 2023-02-28. Review status: criteria provided, single submitter. Criteria: Invitae Variant Classification Sherloc (09022015). Collection method: clinical testing. Allele origin: germline.
Comment: This variant has not been reported in the literature in individuals affected with HNF4A-related conditions. This variant is not present in population databases (gnomAD no frequency). This sequence change replaces alanine, which is neutral and non-polar, with aspartic acid, which is acidic and polar, at codon 196 of the HNF4A protein (p.Ala196Asp). ClinVar contains an entry for this variant (Variation ID: 1172869). In summary, the available evidence is currently insufficient to determine the role of this variant in disease. Therefore, it has been classified as a Variant of Uncertain Significance. Advanced modeling of protein sequence and biophysical properties (such as structural, functional, and spatial information, amino acid conservation, physicochemical variation, residue mobility, and thermodynamic stability) has been performed at Invitae for this missense variant, however the output from this modeling did not meet the statistical confidence thresholds required to predict the impact of this variant on HNF4A protein function.

Fulgent Genetics
Classification: Uncertain significance for Maturity-onset diabetes of the young type 1; Type 2 diabetes mellitus; Fanconi renotubular syndrome 4 with maturity-onset diabetes of the young. Last evaluated: 2022-05-27. Review status: criteria provided, single submitter. Criteria: ACMG Guidelines, 2015. Collection method: clinical testing. Allele origin: unknown.